The following is an entry in ClinVar:

ClinVar aggregate classification (germline): Pathogenic. Review status: criteria provided, multiple submitters, no conflicts (2 of 4 stars). 2 submissions from 2 submitters: Pathogenic (2). Last evaluated 2025-02-10.

Conditions:
Breast-ovarian cancer, familial, susceptibility to, 2 (BROVCA2). Also called: BRCA2 Hereditary Breast and Ovarian Cancer. Identifiers: Orphanet 145, MedGen C2675520, MONDO:0012933, OMIM 612555. Disease mechanism: loss of function.
Hereditary breast ovarian cancer syndrome. Also called: Hereditary breast and ovarian cancer; Breast and ovarian cancer; Hereditary breast and/or ovarian cancer syndrome; BRCA1- and BRCA2-Associated Hereditary Breast and Ovarian Cancer; Hereditary breast and ovarian cancer syndrome; Hereditary breast and ovarian cancer syndrome (HBOC). Identifiers: Orphanet 145, MedGen C0677776, MeSH D061325, MONDO:0003582. Disease mechanism: loss of function.

Allele frequency attached by ClinVar (database versions not stated): gnomAD exomes below 0.00001.

Submissions (2):

Molecular Pathology, Peter Maccallum Cancer Centre
Classification: Pathogenic for Breast-ovarian cancer, familial, susceptibility to, 2. Last evaluated: 2025-02-10. Review status: criteria provided, single submitter. Criteria: ACMG Guidelines, 2015. Collection method: clinical testing. Allele origin: germline. Inheritance: Autosomal dominant inheritance.

Laboratory for Molecular Medicine, Mass General Brigham Personalized Medicine
Classification: Pathogenic for Hereditary breast ovarian cancer syndrome. Last evaluated: 2019-10-14. Review status: criteria provided, single submitter. Criteria: ACMG Guidelines, 2015. Collection method: clinical testing. Allele origin: germline.
Comment: The p.Tyr803X (c.2408_2409insA) variant in BRCA2 has not been reported in individuals with BRCA2-related cancers. It was absent from large population studies. This variant is a deletion of a single nucleotide, creating a premature termination codon at position 803, which is predicted to lead to a truncated or absent protein. Loss of function of the BRCA2 gene is an established disease mechanism in autosomal dominant hereditary breast and ovarian cancer (HBOC). Furthermore, a different variant resulting in a termination codon at the same position (c.2409T>G, p.Tyr803X) has been classified as Pathogenic by our laboratory and multiple submitters in ClinVar, including the ClinGen-approved ENIGMA expert panel (ClinVar Variation ID 37784). In summary, the p.Tyr803X (c.2408_2409insA) variant meets criteria to be classified as pathogenic for autosomal dominant HBOC. ACMG/AMP Criteria applied: PVS1, PS1, PM2.

NM_000059.4(BRCA2):c.2408dup (p.Tyr803Ter)

Gene: BRCA2 (BRCA2 DNA repair associated; plus strand). Cytogenetic location: 13q13.1.
Variant type: Duplication.
Coding change: c.2408dup on transcript NM_000059.4 (MANE Select); coding-DNA position 2408, one base duplicated (A; older notation c.2408dupA).
Protein change: p.Tyr803Ter; replaces tyrosine 803 with a stop codon.
Molecular consequence: nonsense. On other transcripts: non-coding transcript variant (1), intron variant (2).
Genome position (GRCh38, 1-based): chr13:32,336,763, A duplicated. VCF-style (leftmost placement, unchanged base first): chr13-32336762-T-TA. GRCh37 (hg19) VCF-style: chr13-32910899-T-TA.
Other names: c.2408dup, p.Tyr803Ter (NM_001406719.1, NM_001406720.1); c.1909+3376dup (NM_001406721.1); c.424+5733dup (NM_001406722.1); c.2408dupA (NM_000059.3); short protein forms Y803*.
Identifiers: ClinVar variation 3075796 (VCV003075796.2), dbSNP rs2548523803, ClinGen allele CA2622601014.